The following is an entry in ClinVar:

NM_000092.5(COL4A4):c.2963A>G (p.Glu988Gly)

Gene: COL4A4 (collagen type IV alpha 4 chain; minus strand). Cytogenetic location: 2q36.3.
Variant type: single nucleotide variant.
Coding change: c.2963A>G on transcript NM_000092.5 (MANE Select); coding-DNA position 2963, A replaced by G.
Protein change: p.Glu988Gly; replaces glutamic acid 988 with glycine.
Molecular consequence: missense variant.
Genome position (GRCh38, 1-based): chr2:227,052,310, T>C on the plus strand (A>G on the coding strand, the complement: COL4A4 is on the minus strand). VCF-style: chr2-227052310-T-C. GRCh37 (hg19) VCF-style: chr2-227917026-T-C.
Other names: short protein forms E988G.
Identifiers: ClinVar variation 499484 (VCV000499484.9), dbSNP rs1200638480, ClinGen allele CA350839329.
Genomic context (GRCh38, chr2:227,052,310, plus strand): 5'-TGATCTGTAAAAATGTCAACTTATTTGATATGGTTAAAAACTCTTAAGTGTTTACCTCTT[T>C]CTCCTGGGAATCCATCATCTCCAGGAGGTCCAGGTTCCCCAGGTGTTCCCTTTTGTGAAA-3'
Protein context (NP_000083.3, residues 978-998): GPPGDDGFPG[Glu988Gly]RGDKGTPGMQ

ClinVar aggregate classification (germline): Uncertain significance. Review status: criteria provided, multiple submitters, no conflicts (2 of 4 stars). 3 submissions from 3 submitters: Uncertain significance (3). Last evaluated 2026-04-06.

Conditions:
Inborn genetic diseases. Identifiers: MedGen C0950123, MeSH D030342.

Allele frequency attached by ClinVar (database versions not stated): gnomAD exomes below 0.00001.
gnomAD v4.1: 2 of 1,578,982 alleles (0.00013%); highest among the groups gnomAD compares: Admixed American, 0.0017%; no homozygotes.

Submissions (3):

Ambry Genetics
Classification: Uncertain significance for Inborn genetic diseases. Last evaluated: 2026-04-06. Review status: criteria provided, single submitter. Criteria: Ambry Variant Classification Scheme 2023. Collection method: clinical testing. Allele origin: germline.

GeneDx
Classification: Uncertain significance. Last evaluated: 2021-12-01. Review status: criteria provided, single submitter. Criteria: GeneDx Variant Classification Process June 2021. Collection method: clinical testing. Allele origin: germline. Affected: yes.
Comment: Not observed at a significant frequency in large population cohorts (Lek et al., 2016); In silico analysis supports that this missense variant has a deleterious effect on protein structure/function; Occurs in the triple helical domain at the X position in the canonical Gly-X-Y repeat; although this variant may have an effect on normal protein folding and function, missense substitution at the X position is not a common mechanism of disease; Has not been previously published as pathogenic or benign to our knowledge

Eurofins Ntd Llc (ga)
Classification: Uncertain significance. Last evaluated: 2017-01-19. Review status: criteria provided, single submitter. Criteria: EGL Classification Definitions 2015. Collection method: clinical testing. Allele origin: germline. Observed: 1 variant allele, 1 heterozygote.